The following is an entry in ClinVar:

NM_003737.4(DCHS1):c.7579T>G (p.Trp2527Gly)

Gene: DCHS1 (dachsous cadherin-related 1; minus strand). Cytogenetic location: 11p15.4.
Variant type: single nucleotide variant.
Coding change: c.7579T>G on transcript NM_003737.4 (MANE Select); coding-DNA position 7579, T replaced by G.
Protein change: p.Trp2527Gly; replaces tryptophan 2527 with glycine.
Molecular consequence: missense variant.
Genome position (GRCh38, 1-based): chr11:6,624,097, A>C on the plus strand (T>G on the coding strand, the complement: DCHS1 is on the minus strand). VCF-style: chr11-6624097-A-C. GRCh37 (hg19) VCF-style: chr11-6645328-A-C.
Other names: short protein forms W2527G.
Identifiers: ClinVar variation 3012311 (VCV003012311.3), dbSNP rs1165557812, ClinGen allele CA379482791.

ClinVar aggregate classification (germline): Uncertain significance (1 of 4 stars; one submission).

Allele frequency attached by ClinVar (database versions not stated): TOPMed 0.00002.

Submission:

Labcorp Genetics (formerly Invitae), Labcorp
Classification: Uncertain significance. Last evaluated: 2024-03-13. Review status: criteria provided, single submitter. Criteria: Invitae Variant Classification Sherloc (09022015). Collection method: clinical testing. Allele origin: germline.
Comment: This sequence change replaces tryptophan, which is neutral and slightly polar, with glycine, which is neutral and non-polar, at codon 2527 of the DCHS1 protein (p.Trp2527Gly). This variant is not present in population databases (gnomAD no frequency). This variant has not been reported in the literature in individuals affected with DCHS1-related conditions. Advanced modeling of protein sequence and biophysical properties (such as structural, functional, and spatial information, amino acid conservation, physicochemical variation, residue mobility, and thermodynamic stability) performed at Invitae indicates that this missense variant is not expected to disrupt DCHS1 protein function with a negative predictive value of 95%. In summary, the available evidence is currently insufficient to determine the role of this variant in disease. Therefore, it has been classified as a Variant of Uncertain Significance.